The following is an entry in ClinVar:

ClinVar aggregate classification (germline): Uncertain significance. Review status: criteria provided, multiple submitters, no conflicts (2 of 4 stars). 4 submissions from 4 submitters: Uncertain significance (4). Last evaluated 2025-07-29.

Conditions:
CACNA2D1-related disorder. Also called: CACNA2D1-related condition.
Brugada syndrome. Also called: Sudden unexpected nocturnal death syndrome; Sudden Unexplained Death Syndrome; Sudden Unexplained Nocturnal Death Syndrome (SUNDS); Sudden unexplained nocturnal death syndrome. Identifiers: Orphanet 130, MedGen C1142166, MONDO:0015263.
Cardiovascular phenotype. Identifiers: MedGen CN230736.

Allele frequency attached by ClinVar (database versions not stated): gnomAD 0.00001 and 0.00003; TOPMed 0.00002; gnomAD exomes 0.00004 and 0.00005; ExAC 0.00006.
gnomAD v4.1: 71 of 1,613,916 alleles (0.0044%); highest among the groups gnomAD compares: Middle Eastern, 0.017%; no homozygotes.

Submissions (4):

Labcorp Genetics (formerly Invitae), Labcorp
Classification: Uncertain significance for Brugada syndrome. Last evaluated: 2025-07-29. Review status: criteria provided, single submitter. Criteria: Invitae Variant Classification Sherloc (09022015). Collection method: clinical testing. Allele origin: germline.
Comment: This sequence change replaces isoleucine, which is neutral and non-polar, with methionine, which is neutral and non-polar, at codon 145 of the CACNA2D1 protein (p.Ile145Met). This variant is present in population databases (rs756765026, gnomAD 0.01%). This variant has not been reported in the literature in individuals affected with CACNA2D1-related conditions. ClinVar contains an entry for this variant (Variation ID: 532105). Experimental studies and prediction algorithms are not available or were not evaluated, and the functional significance of this variant is currently unknown. In summary, the available evidence is currently insufficient to determine the role of this variant in disease. Therefore, it has been classified as a Variant of Uncertain Significance.

PreventionGenetics, part of Exact Sciences
Classification: Uncertain significance for CACNA2D1-related condition. Last evaluated: 2022-11-06. Review status: criteria provided, single submitter. Criteria: ACMG Guidelines, 2015. Collection method: clinical testing. Allele origin: germline.
Comment: The CACNA2D1 c.435A>G variant is predicted to result in the amino acid substitution p.Ile145Met. To our knowledge, this variant has not been reported in the literature. This variant is reported in 0.0097% of alleles in individuals of European (Non-Finnish) descent in gnomAD. At this time, the clinical significance of this variant is uncertain due to the absence of conclusive functional and genetic evidence.

CeGaT Center for Human Genetics Tuebingen
Classification: Uncertain significance. Last evaluated: 2022-06-01. Review status: criteria provided, single submitter. Criteria: CeGaT Center For Human Genetics Tuebingen Variant Classification Criteria Version 2. Collection method: clinical testing. Allele origin: germline. Affected: yes. Observed: 1 variant allele.
Comment: CACNA2D1: PP2, BP4

Ambry Genetics
Classification: Uncertain significance for Cardiovascular phenotype. Last evaluated: 2020-08-27. Review status: criteria provided, single submitter. Criteria: Ambry Variant Classification Scheme 2023. Collection method: clinical testing. Allele origin: germline.
Comment: The p.I145M variant (also known as c.435A>G), located in coding exon 6 of the CACNA2D1 gene, results from an A to G substitution at nucleotide position 435. The isoleucine at codon 145 is replaced by methionine, an amino acid with highly similar properties. This variant was detected in one individual from an arrhythmia genetic testing cohort; however, clinical details were limited, and additional cardiac variants were detected (van Lint FHM et al. Neth Heart J, 2019 Jun;27:304-309). This amino acid position is highly conserved in available vertebrate species. In addition, this alteration is predicted to be tolerated by in silico analysis. Since supporting evidence is limited at this time, the clinical significance of this alteration remains unclear.

Literature cited by the submitters: PubMed 30847666 (cited by Ambry Genetics).

NM_000722.4(CACNA2D1):c.435A>G (p.Ile145Met)

Gene: CACNA2D1 (calcium voltage-gated channel auxiliary subunit alpha2delta 1; minus strand). Cytogenetic location: 7q21.11.
Variant type: single nucleotide variant.
Coding change: c.435A>G on transcript NM_000722.4 (MANE Select); coding-DNA position 435, A replaced by G.
Protein change: p.Ile145Met; replaces isoleucine 145 with methionine.
Molecular consequence: missense variant.
Genome position (GRCh38, 1-based): chr7:82,117,135, T>C on the plus strand (A>G on the coding strand, the complement: CACNA2D1 is on the minus strand). VCF-style: chr7-82117135-T-C. GRCh37 (hg19) VCF-style: chr7-81746451-T-C.
Other names: c.435A>G, p.Ile145Met (NM_001302890.2, NM_001366867.1); short protein forms I145M.
Identifiers: ClinVar variation 532105 (VCV000532105.36), dbSNP rs756765026, ClinGen allele CA4318356.
Genomic context (GRCh38, chr7:82,117,135, plus strand): 5'-TGCTGCGTGCTGATAAGATATTTGTCGTCCAAAATTAGCATCTTCAATGAAAACAGGTTT[T>C]ATCCTCTGGCTGCCTGGCTCACTGTCATTTTTCTCAGGCTATATAGAAAAAGAATAAACA-3'
Protein context (NP_000713.2, residues 135-155): KNDSEPGSQR[Ile145Met]KPVFIEDANF